The following is an entry in ClinVar:

NM_014363.6(SACS):c.2075C>A (p.Thr692Asn)

Gene: SACS (sacsin molecular chaperone; minus strand). Cytogenetic location: 13q12.12.
Variant type: single nucleotide variant.
Coding change: c.2075C>A on transcript NM_014363.6 (MANE Select); coding-DNA position 2075, C replaced by A.
Protein change: p.Thr692Asn; replaces threonine 692 with asparagine.
Molecular consequence: missense variant.
Genome position (GRCh38, 1-based): chr13:23,354,537, G>T on the plus strand (C>A on the coding strand, the complement: SACS is on the minus strand). VCF-style: chr13-23354537-G-T. GRCh37 (hg19) VCF-style: chr13-23928676-G-T.
Other names: c.2075C>A (NM_014363.5); c.1634C>A, p.Thr545Asn (NM_001278055.2); short protein forms T545N, T692N.
Identifiers: ClinVar variation 1936515 (VCV001936515.6), dbSNP rs538500796, ClinGen allele CA6911797.

ClinVar aggregate classification (germline): Conflicting classifications of pathogenicity. Review status: criteria provided, conflicting classifications (1 of 4 stars). 2 submissions from 2 submitters: Uncertain significance (1); Likely benign (1). Last evaluated 2026-02-10.

Conditions:
SACS-related disorder. Also called: SACS-related condition.
Spastic paraplegia. Identifiers: MedGen C0037772, HP:0001258.

Allele frequency attached by ClinVar (database versions not stated): gnomAD exomes below 0.00001; ExAC 0.00001; gnomAD 0.00001; TOPMed 0.00001; 1000 Genomes Project 30x 0.00016; 1000 Genomes Project 0.00020.
gnomAD v4.1: 4 of 1,614,106 alleles (0.00025%); highest among the groups gnomAD compares: African/African-American, 0.004%; no homozygotes.

Submissions (2):

PreventionGenetics, part of Exact Sciences
Classification: Uncertain significance for SACS-related condition. Last evaluated: 2026-02-10. Review status: criteria provided, single submitter. Criteria: ACMG Guidelines, 2015. Collection method: clinical testing. Allele origin: germline.
Comment: The SACS c.2075C>A variant is predicted to result in the amino acid substitution p.Thr692Asn. To our knowledge, this variant has not been reported in the literature. This variant is reported in 0.0062% of alleles in individuals of African descent in gnomAD. At this time, the clinical significance of this variant is uncertain due to the absence of conclusive functional and genetic evidence.

Labcorp Genetics (formerly Invitae), Labcorp
Classification: Likely benign for Spastic paraplegia. Last evaluated: 2022-06-02. Review status: criteria provided, single submitter. Criteria: Invitae Variant Classification Sherloc (09022015). Collection method: clinical testing. Allele origin: germline.